The following is an entry in ClinVar:

ClinVar aggregate classification (germline): Uncertain significance (1 of 4 stars; one submission).

Allele frequency attached by ClinVar (database versions not stated): TOPMed 0.00001; ExAC 0.00002.
gnomAD v4.1: 9 of 1,609,542 alleles (0.00056%); highest among the groups gnomAD compares: Admixed American, 0.0084%; no homozygotes.

Submission:

Labcorp Genetics (formerly Invitae), Labcorp
Classification: Uncertain significance. Last evaluated: 2022-06-05. Review status: criteria provided, single submitter. Criteria: Invitae Variant Classification Sherloc (09022015). Collection method: clinical testing. Allele origin: germline.
Comment: This variant is present in population databases (rs745456767, gnomAD 0.02%). In summary, the available evidence is currently insufficient to determine the role of this variant in disease. Therefore, it has been classified as a Variant of Uncertain Significance. Variants that disrupt the consensus splice site are a relatively common cause of aberrant splicing (PMID: 17576681, 9536098). Algorithms developed to predict the effect of sequence changes on RNA splicing suggest that this variant may disrupt the consensus splice site. This variant has not been reported in the literature in individuals affected with C2CD3-related conditions. This sequence change falls in intron 10 of the C2CD3 gene. It does not directly change the encoded amino acid sequence of the C2CD3 protein. It affects a nucleotide within the consensus splice site.

Literature cited by the submitters: PubMed 17576681; PubMed 9536098.

NM_001286577.2(C2CD3):c.1730+5G>A

Gene: C2CD3 (C2 domain containing 3 centriole elongation regulator; minus strand). Cytogenetic location: 11q13.4.
Variant type: single nucleotide variant.
Coding change: c.1730+5G>A on transcript NM_001286577.2 (MANE Select); 5 bases into the intron after coding-DNA position 1730, G replaced by A.
Molecular consequence: intron variant.
Genome position (GRCh38, 1-based): chr11:74,114,379, C>T on the plus strand (G>A on the coding strand, the complement: C2CD3 is on the minus strand). VCF-style: chr11-74114379-C-T. GRCh37 (hg19) VCF-style: chr11-73825424-C-T.
Other names: c.1730+5G>A (NM_015531.6).
Identifiers: ClinVar variation 2176394 (VCV002176394.4), dbSNP rs745456767, ClinGen allele CA6182880.